The following is an entry in ClinVar:

NM_000169.3(GLA):c.737C>T (p.Thr246Ile)

Genes: GLA (galactosidase alpha; minus strand), RPL36A-HNRNPH2 (RPL36A-HNRNPH2 readthrough; plus strand). Cytogenetic location: Xq22.1.
Variant type: single nucleotide variant.
Coding change: c.737C>T on transcript NM_000169.3 (MANE Select); coding-DNA position 737, C replaced by T.
Protein change: p.Thr246Ile; replaces threonine 246 with isoleucine.
Molecular consequence: missense variant. On other transcripts: non-coding transcript variant (3), intron variant (2).
Genome position (GRCh38, 1-based): chrX:101,398,849, G>A on the plus strand (C>T on the coding strand, the complement: GLA is on the minus strand). VCF-style: chrX-101398849-G-A. GRCh37 (hg19) VCF-style: chrX-100653837-G-A.
Other names: c.860C>T, p.Thr287Ile (NM_001406747.1); c.737C>T, p.Thr246Ile (NM_001406748.1); c.300+3392G>A (NM_001199973.2); c.177+7027G>A (NM_001199974.2); short protein forms T246I, T287I.
Identifiers: ClinVar variation 4087489 (VCV004087489.2).

ClinVar aggregate classification (germline): Uncertain significance (1 of 4 stars; one submission).

Conditions:
Fabry disease. Also called: ALPHA-GALACTOSIDASE A DEFICIENCY; ANDERSON-FABRY DISEASE; CERAMIDE TRIHEXOSIDASE DEFICIENCY; GLA DEFICIENCY; HEREDITARY DYSTOPIC LIPIDOSIS; Angiokeratoma corporis diffusum. Identifiers: Orphanet 324, MedGen C0002986, MONDO:0010526, OMIM 301500, HP:0001071. Disease mechanism: Fabry disease is due to inactivating mutations in the X-linked GLA gene resulting in deficiency of the enzyme Alpha Galactosidase-A., loss of function.

Submission:

Genomenon, Inc
Classification: Uncertain significance for Fabry disease. Last evaluated: 2026-09-08. Review status: criteria provided, single submitter. Criteria: Genomenon Sequence Variant Interpretation Standards - Updated. Collection method: curation. Allele origin: germline. Affected: no.
Comment: GLA p.Thr246Ile (c.737C>T) is a missense variant that changes the amino acid at codon 246 from Threonine to Isoleucine. This variant has been reported in the published literature (PMID:34199132;30477121;29143201). It is absent or not present at a significant frequency in gnomAD. In silico models predict that this variant is possibly or probably damaging. In conclusion, we classify GLA p.Thr246Ile (c.737C>T) as a variant of uncertain significance.

Literature cited by the submitters: PubMed 34199132; PubMed 30477121; PubMed 29143201.